The following is an entry in ClinVar:

NM_000077.5(CDKN2A):c.465C>G (p.Pro155=)

Gene: CDKN2A (cyclin dependent kinase inhibitor 2A; minus strand). Cytogenetic location: 9p21.3.
Variant type: single nucleotide variant.
Coding change: c.465C>G on transcript NM_000077.5; coding-DNA position 465, C replaced by G.
Protein change: p.Pro155=; no amino-acid change (proline 155 retained).
Molecular consequence: synonymous variant (on NM_000077.6). On other transcripts: 3 prime UTR variant (3).
Genome position (GRCh38, 1-based): chr9:21,968,235, G>C on the plus strand (C>G on the coding strand, the complement: CDKN2A is on the minus strand). VCF-style: chr9-21968235-G-C. GRCh37 (hg19) VCF-style: chr9-21968234-G-C.
Other names: c.465C>G, p.Pro155= (NM_000077.6); c.*158C>G (NM_001195132.2); c.312C>G, p.Pro104= (NM_001363763.2); c.*109C>G (NM_058195.4); c.*388C>G (NM_058197.5).
Identifiers: ClinVar variation 825077 (VCV000825077.9), dbSNP rs1471079871, ClinGen allele CA373085065.

ClinVar aggregate classification (germline): Conflicting classifications of pathogenicity. Review status: criteria provided, conflicting classifications (1 of 4 stars). 4 submissions from 4 submitters: Uncertain significance (1); Benign (1); Likely benign (2). Last evaluated 2025-08-20.

Conditions:
Hereditary cancer-predisposing syndrome. Also called: Neoplastic Syndromes, Hereditary; Tumor predisposition; Hereditary Cancer Syndrome; Hereditary neoplastic syndrome. Identifiers: Orphanet 140162, MedGen C0027672, MeSH D009386, MONDO:0015356.
Familial melanoma. Also called: Hereditary melanoma; Hereditary cutaneous melanoma. Identifiers: Orphanet 618, MedGen C1512419, MONDO:0018961.
Melanoma-pancreatic cancer syndrome. Identifiers: Orphanet 404560, MedGen C1838547, MONDO:0011713, OMIM 606719. Disease mechanism: loss of function.

gnomAD v4.1: 3 of 1,613,850 alleles (0.00019%); highest among the groups gnomAD compares: African/African-American, 0.0027%; no homozygotes.

Submissions (4):

Myriad Genetics, Inc.
Classification: Benign for Melanoma-pancreatic cancer syndrome. Last evaluated: 2025-08-20. Review status: criteria provided, single submitter. Criteria: Myriad Autosomal Dominant, Autosomal Recessive and X-Linked Classification Criteria (2023). Collection method: clinical testing. Allele origin: unknown.
Comment: This variant is considered benign. This variant is a silent/synonymous amino acid change and it is not expected to impact splicing.

Labcorp Genetics (formerly Invitae), Labcorp
Classification: Likely benign for Familial melanoma. Last evaluated: 2025-04-22. Review status: criteria provided, single submitter. Criteria: Invitae Variant Classification Sherloc (09022015). Collection method: clinical testing. Allele origin: germline.

Color Diagnostics, LLC DBA Color Health
Classification: Uncertain significance for Hereditary cancer-predisposing syndrome. Last evaluated: 2024-11-17. Review status: criteria provided, single submitter. Criteria: ACMG Guidelines, 2015. Collection method: clinical testing. Allele origin: germline.
Comment: The CDKN2A locus encodes two different gene products, p16INK4a and p14ARF. This variant is located in the 3' untranslated region of the CDKN2A (p16INK4A) gene. To our knowledge, functional studies have not been reported for this variant. This variant has not been reported in individuals affected with CDKN2A-related disorders in the literature. This variant has not been identified in the general population by the Genome Aggregation Database (gnomAD). The available evidence is insufficient to determine the role of this variant in disease conclusively. Therefore, this variant is classified as a Variant of Uncertain Significance.

Ambry Genetics
Classification: Likely benign for Hereditary cancer-predisposing syndrome. Last evaluated: 2019-02-12. Review status: criteria provided, single submitter. Criteria: Ambry Variant Classification Scheme 2023. Collection method: clinical testing. Allele origin: germline.